The following is an entry in ClinVar:

NM_021008.4(DEAF1):c.556G>A (p.Glu186Lys)

Gene: DEAF1 (DEAF1 transcription factor; minus strand). Cytogenetic location: 11p15.5.
Variant type: single nucleotide variant.
Coding change: c.556G>A on transcript NM_021008.4 (MANE Select); coding-DNA position 556, G replaced by A.
Protein change: p.Glu186Lys; replaces glutamic acid 186 with lysine.
Molecular consequence: missense variant. On other transcripts: 5 prime UTR variant (1).
Genome position (GRCh38, 1-based): chr11:688,019, C>T on the plus strand (G>A on the coding strand, the complement: DEAF1 is on the minus strand). VCF-style: chr11-688019-C-T. GRCh37 (hg19) VCF-style: chr11-688019-C-T.
Other names: c.556G>A, p.Glu186Lys (NM_001293634.2); c.-171G>A (NM_001367390.1); short protein forms E186K.
Identifiers: ClinVar variation 1717968 (VCV001717968.5), dbSNP rs1860672781, ClinGen allele CA378934114.
Genomic context (GRCh38, chr11:688,019, plus strand): 5'-GTACGGGCAGCTCACTGTCGTACACAGAAGGGTCCCAGTTGTATTTAGTTCCACCTTTTT[C>T]TTGGCCGGGAGCCAGAGGGGTTGGAGGAGACTGAGGACCTTGGGCAGAGAAAGTGTTTGA-3'
Protein context (NP_066288.2, residues 176-196): SPPTPLAPGQ[Glu186Lys]KGGTKYNWDP

ClinVar aggregate classification (germline): Uncertain significance (1 of 4 stars; one submission).

Submission:

Labcorp Genetics (formerly Invitae), Labcorp
Classification: Uncertain significance. Last evaluated: 2022-08-24. Review status: criteria provided, single submitter. Criteria: Invitae Variant Classification Sherloc (09022015). Collection method: clinical testing. Allele origin: germline.
Comment: This variant is not present in population databases (gnomAD no frequency). This sequence change replaces glutamic acid, which is acidic and polar, with lysine, which is basic and polar, at codon 186 of the DEAF1 protein (p.Glu186Lys). This variant has not been reported in the literature in individuals affected with DEAF1-related conditions. Advanced modeling of protein sequence and biophysical properties (such as structural, functional, and spatial information, amino acid conservation, physicochemical variation, residue mobility, and thermodynamic stability) performed at Invitae indicates that this missense variant is not expected to disrupt DEAF1 protein function. In summary, the available evidence is currently insufficient to determine the role of this variant in disease. Therefore, it has been classified as a Variant of Uncertain Significance.